The following is an entry in ClinVar:

ClinVar aggregate classification (germline): Uncertain significance (1 of 4 stars; one submission).

Submission:

Labcorp Genetics (formerly Invitae), Labcorp
Classification: Uncertain significance. Last evaluated: 2024-03-27. Review status: criteria provided, single submitter. Criteria: Invitae Variant Classification Sherloc (09022015). Collection method: clinical testing. Allele origin: germline.
Comment: This sequence change falls in intron 1 of the NFIA gene. It does not directly change the encoded amino acid sequence of the NFIA protein. It affects a nucleotide within the consensus splice site. This variant is not present in population databases (gnomAD no frequency). This variant has not been reported in the literature in individuals affected with NFIA-related conditions. Variants that disrupt the consensus splice site are a relatively common cause of aberrant splicing (PMID: 17576681, 9536098). Algorithms developed to predict the effect of sequence changes on RNA splicing suggest that this variant is not likely to affect RNA splicing. In summary, the available evidence is currently insufficient to determine the role of this variant in disease. Therefore, it has been classified as a Variant of Uncertain Significance.

Literature cited by the submitters: PubMed 17576681; PubMed 9536098.

NM_001134673.4(NFIA):c.27+6C>T

Gene: NFIA (nuclear factor I A; plus strand). Cytogenetic location: 1p31.3.
Variant type: single nucleotide variant.
Coding change: c.27+6C>T on transcript NM_001134673.4 (MANE Select); 6 bases into the intron after coding-DNA position 27, C replaced by T.
Molecular consequence: intron variant.
Genome position (GRCh38, 1-based): chr1:61,082,824, C>T. VCF-style: chr1-61082824-C-T. GRCh37 (hg19) VCF-style: chr1-61548496-C-T.
Other names: c.3+5196C>T (NM_001145511.2); c.162+6C>T (NM_001145512.2); c.27+6C>T (NM_005595.5).
Identifiers: ClinVar variation 3647809 (VCV003647809.2).
Genomic context (GRCh38, chr1:61,082,824, plus strand): 5'-CACACGCATACCCCAGCGCCCGGCAGTTATGTATTCTCCGCTCTGTCTCACCCAGGTAAG[C>T]CGCGGCGTGGATGCGGAGGGCTTGGGGGCCGGGGCGCCGGGGGCAGGGCTGGGGCTGGGT-3'